The following is an entry in ClinVar:

NM_001318852.2(MAPK8IP3):c.3271C>G (p.Gln1091Glu)

Gene: MAPK8IP3 (mitogen-activated protein kinase 8 interacting protein 3; plus strand). Cytogenetic location: 16p13.3.
Variant type: single nucleotide variant.
Coding change: c.3271C>G on transcript NM_001318852.2 (MANE Select); coding-DNA position 3271, C replaced by G.
Protein change: p.Gln1091Glu; replaces glutamine 1091 with glutamic acid.
Molecular consequence: missense variant.
Genome position (GRCh38, 1-based): chr16:1,767,597, C>G. VCF-style: chr16-1767597-C-G. GRCh37 (hg19) VCF-style: chr16-1817598-C-G.
Other names: c.3250C>G, p.Gln1084Glu (NM_001040439.2); c.3268C>G, p.Gln1090Glu (NM_015133.5, NM_033392.3); short protein forms Q1084E, Q1091E, Q1090E.
Identifiers: ClinVar variation 1810588 (VCV001810588.1), dbSNP rs2548115744, ClinGen allele CA394237872.

ClinVar aggregate classification (germline): Uncertain significance (1 of 4 stars; one submission).

Submission:

GeneDx
Classification: Uncertain significance. Last evaluated: 2022-07-08. Review status: criteria provided, single submitter. Criteria: GeneDx Variant Classification Process June 2021. Collection method: clinical testing. Allele origin: germline. Affected: yes.
Comment: Not observed at significant frequency in large population cohorts (gnomAD); In silico analysis supports that this missense variant has a deleterious effect on protein structure/function; Has not been previously published as pathogenic or benign to our knowledge